The following is an entry in ClinVar:

NM_006080.3(SEMA3A):c.548-5C>T

Gene: SEMA3A (semaphorin 3A; minus strand). Cytogenetic location: 7q21.11.
Variant type: single nucleotide variant.
Coding change: c.548-5C>T on transcript NM_006080.3 (MANE Select); 5 bases into the intron before coding-DNA position 548, C replaced by T.
Molecular consequence: intron variant.
Genome position (GRCh38, 1-based): chr7:84,046,448, G>A on the plus strand (C>T on the coding strand, the complement: SEMA3A is on the minus strand). VCF-style: chr7-84046448-G-A. GRCh37 (hg19) VCF-style: chr7-83675764-G-A.
Identifiers: ClinVar variation 4990148 (VCV004990148.1).

ClinVar aggregate classification (germline): Likely benign (1 of 4 stars; one submission).

Conditions:
SEMA3A-related disorder. Also called: SEMA3A-related condition.

gnomAD v4.1: 6 of 1,612,558 alleles (0.00037%); highest among the groups gnomAD compares: Non-Finnish European, 0.00051%; no homozygotes.

Submission:

PreventionGenetics, part of Exact Sciences
Classification: Likely benign for SEMA3A-related condition. Last evaluated: 2025-04-15. Review status: criteria provided, single submitter. Criteria: ACMG Guidelines, 2015. Collection method: clinical testing. Allele origin: germline.
Comment: This variant is classified as likely benign based on ACMG/AMP sequence variant interpretation guidelines (Richards et al. 2015 PMID: 25741868, with internal and published modifications).